The following is an entry in ClinVar:

NM_013254.4(TBK1):c.454G>C (p.Val152Leu)

Gene: TBK1 (TANK binding kinase 1; plus strand). Cytogenetic location: 12q14.2.
Variant type: single nucleotide variant.
Coding change: c.454G>C on transcript NM_013254.4 (MANE Select); coding-DNA position 454, G replaced by C.
Protein change: p.Val152Leu; replaces valine 152 with leucine.
Molecular consequence: missense variant.
Genome position (GRCh38, 1-based): chr12:64,466,996, G>C. VCF-style: chr12-64466996-G-C. GRCh37 (hg19) VCF-style: chr12-64860776-G-C.
Other names: c.454G>C (NM_013254.3); short protein forms V152L.
Identifiers: ClinVar variation 1441996 (VCV001441996.10), dbSNP rs202011771, ClinGen allele CA6668821.

ClinVar aggregate classification (germline): Uncertain significance. Review status: criteria provided, multiple submitters, no conflicts (2 of 4 stars). 3 submissions from 3 submitters: Uncertain significance (3). Last evaluated 2025-10-13.

Conditions:
Frontotemporal dementia and/or amyotrophic lateral sclerosis 4. Also called: FTDALS4. Identifiers: Orphanet 275872, MedGen C4225325, MONDO:0014641, OMIM 616439.
TBK1-related disorder. Also called: TBK1-related condition.

Allele frequency attached by ClinVar (database versions not stated): TOPMed 0.00001; ExAC 0.00002; gnomAD exomes 0.00002 and 0.00003.
gnomAD v4.1: 13 of 1,612,680 alleles (0.00081%); highest among the groups gnomAD compares: Non-Finnish European, 0.001%; no homozygotes.

Submissions (3):

PreventionGenetics, part of Exact Sciences
Classification: Uncertain significance for TBK1-related condition. Last evaluated: 2025-10-13. Review status: criteria provided, single submitter. Criteria: ACMG Guidelines, 2015. Collection method: clinical testing. Allele origin: germline.
Comment: The TBK1 c.454G>C variant is predicted to result in the amino acid substitution p.Val152Leu. This variant has been reported in an individual with amyotrophic lateral sclerosis (ALS, Grassano et al. 2022. PubMed ID: 35896380). This variant is reported in 0.0053% of alleles in individuals of European (non-Finnish) descent in gnomAD. At this time, the clinical significance of this variant is uncertain due to the absence of conclusive functional and genetic evidence.

Labcorp Genetics (formerly Invitae), Labcorp
Classification: Uncertain significance for Frontotemporal dementia and/or amyotrophic lateral sclerosis 4. Last evaluated: 2024-09-09. Review status: criteria provided, single submitter. Criteria: Invitae Variant Classification Sherloc (09022015). Collection method: clinical testing. Allele origin: germline.
Comment: This sequence change replaces valine, which is neutral and non-polar, with leucine, which is neutral and non-polar, at codon 152 of the TBK1 protein (p.Val152Leu). This variant is present in population databases (rs202011771, gnomAD 0.005%). This missense change has been observed in individual(s) with amyotrophic lateral sclerosis (PMID: 35896380). ClinVar contains an entry for this variant (Variation ID: 1441996). Invitae Evidence Modeling of protein sequence and biophysical properties (such as structural, functional, and spatial information, amino acid conservation, physicochemical variation, residue mobility, and thermodynamic stability) indicates that this missense variant is not expected to disrupt TBK1 protein function with a negative predictive value of 95%. In summary, the available evidence is currently insufficient to determine the role of this variant in disease. Therefore, it has been classified as a Variant of Uncertain Significance.

Breakthrough Genomics
Classification: Uncertain significance. Review status: criteria provided, single submitter. Criteria: ACMG Guidelines, 2015. Collection method: not provided. Allele origin: germline. Inheritance: Autosomal dominant inheritance. Affected: yes.

Literature cited by the submitters: PubMed 35896380 (cited by Labcorp Genetics (formerly Invitae), Labcorp).